The following is an entry in ClinVar:

ClinVar aggregate classification (germline): Uncertain significance. Review status: criteria provided, multiple submitters, no conflicts (2 of 4 stars). 2 submissions from 2 submitters: Uncertain significance (2). Last evaluated 2025-07-27.

Conditions:
POLG-related disorder. Also called: POLG-Related Spectrum Disorders; POLG-related condition; POLG-Related Disorders. Identifiers: MedGen C4763519.
Progressive sclerosing poliodystrophy (MTDPS4A). Also called: ALPERS PROGRESSIVE INFANTILE POLIODYSTROPHY; NEURONAL DEGENERATION OF CHILDHOOD WITH LIVER DISEASE, PROGRESSIVE; Alpers Syndrome; ALPERS DIFFUSE DEGENERATION OF CEREBRAL GRAY MATTER WITH HEPATIC CIRRHOSIS; Alpers-Huttenlocher Syndrome; Mitochondrial DNA Depletion Syndrome 4A. Identifiers: Orphanet 726, MedGen C0205710, MONDO:0008758, OMIM 203700.

Allele frequency attached by ClinVar (database versions not stated): gnomAD 0.00001; gnomAD exomes 0.00001 and 0.00002; TOPMed 0.00002.
gnomAD v4.1: 5 of 1,516,276 alleles (0.00033%); highest among the groups gnomAD compares: Admixed American, 0.0089%; no homozygotes.

Submissions (2):

Labcorp Genetics (formerly Invitae), Labcorp
Classification: Uncertain significance for Progressive sclerosing poliodystrophy. Last evaluated: 2025-07-27. Review status: criteria provided, single submitter. Criteria: Invitae Variant Classification Sherloc (09022015). Collection method: clinical testing. Allele origin: germline.
Comment: This sequence change replaces serine, which is neutral and polar, with leucine, which is neutral and non-polar, at codon 218 of the POLG protein (p.Ser218Leu). The frequency data for this variant in the population databases is considered unreliable, as metrics indicate poor data quality at this position in the gnomAD database. This variant has not been reported in the literature in individuals affected with POLG-related conditions. ClinVar contains an entry for this variant (Variation ID: 405579). Invitae Evidence Modeling of protein sequence and biophysical properties (such as structural, functional, and spatial information, amino acid conservation, physicochemical variation, residue mobility, and thermodynamic stability) indicates that this missense variant is not expected to disrupt POLG protein function with a negative predictive value of 95%. In summary, the available evidence is currently insufficient to determine the role of this variant in disease. Therefore, it has been classified as a Variant of Uncertain Significance.

PreventionGenetics, part of Exact Sciences
Classification: Uncertain significance for POLG-related condition. Last evaluated: 2025-07-06. Review status: criteria provided, single submitter. Criteria: ACMG Guidelines, 2015. Collection method: clinical testing. Allele origin: germline.
Comment: The POLG c.653C>T variant is predicted to result in the amino acid substitution p.Ser218Leu. To our knowledge, this variant has not been reported in the literature. This variant is reported in 0.014% of alleles in individuals of Latino descent in gnomAD. At this time, the clinical significance of this variant is uncertain due to the absence of conclusive functional and genetic evidence.

NM_002693.3(POLG):c.653C>T (p.Ser218Leu)

Genes: POLG (DNA polymerase gamma, catalytic subunit; minus strand), POLGARF (POLG alternative reading frame; minus strand). Cytogenetic location: 15q26.1.
Variant type: single nucleotide variant.
Coding change: c.653C>T on transcript NM_002693.3 (MANE Select); coding-DNA position 653, C replaced by T.
Protein change: p.Ser218Leu; replaces serine 218 with leucine.
Molecular consequence: missense variant.
Genome position (GRCh38, 1-based): chr15:89,333,102, G>A on the plus strand (C>T on the coding strand, the complement: POLG is on the minus strand). VCF-style: chr15-89333102-G-A. GRCh37 (hg19) VCF-style: chr15-89876333-G-A.
Other names: c.653C>T, p.Ser218Leu (NM_001126131.2); short protein forms S218L.
Identifiers: ClinVar variation 405579 (VCV000405579.9), dbSNP rs1060500775, ClinGen allele CA16614584.
Genomic context (GRCh38, chr15:89,333,102, plus strand): 5'-CTATTAAGCTGGGCCCCCATGCCTGCTTATGTCCCCAACCCTGCCCCTACTTACCAGGCC[G>A]AGGGGGATATGGCCACCGCCAATGTGGGGCAAGTTCCCTCTGCCAAGCAGACCTCCACGT-3'
Protein context (NP_002684.1, residues 208-228): CPTLAVAISP[Ser218Leu]AWYSWCSQRL